The following is an entry in ClinVar:

ClinVar aggregate classification (germline): Uncertain significance. Review status: criteria provided, multiple submitters, no conflicts (2 of 4 stars). 6 submissions from 6 submitters: Uncertain significance (6). Last evaluated 2026-01-07.

Conditions:
Hereditary cancer-predisposing syndrome. Also called: Neoplastic Syndromes, Hereditary; Tumor predisposition; Hereditary Cancer Syndrome; Hereditary neoplastic syndrome. Identifiers: Orphanet 140162, MedGen C0027672, MeSH D009386, MONDO:0015356.
Familial cancer of breast. Also called: BREAST CANCER, FAMILIAL; hereditary breast carcinoma; Hereditary breast cancer. Identifiers: Orphanet 227535, MedGen C0346153, MONDO:0016419, OMIM 114480. Disease mechanism: loss of function.

Allele frequency attached by ClinVar (database versions not stated): gnomAD exomes below 0.00001.
gnomAD v4.1: 2 of 1,614,180 alleles (0.00012%); highest among the groups gnomAD compares: Non-Finnish European, 0.00017%; no homozygotes.

Submissions (6):

Labcorp Genetics (formerly Invitae), Labcorp
Classification: Uncertain significance for Familial cancer of breast. Last evaluated: 2026-01-07. Review status: criteria provided, single submitter. Criteria: Invitae Variant Classification Sherloc (09022015). Collection method: clinical testing. Allele origin: germline.
Comment: This sequence change replaces asparagine, which is neutral and polar, with aspartic acid, which is acidic and polar, at codon 166 of the CHEK2 protein (p.Asn166Asp). This variant is not present in population databases (gnomAD no frequency). This variant has not been reported in the literature in individuals affected with CHEK2-related conditions. ClinVar contains an entry for this variant (Variation ID: 231320). An algorithm developed to predict the effect of missense changes on protein structure and function (PolyPhen-2) suggests that this variant is likely to be disruptive. Experimental studies have shown that this missense change affects CHEK2 function (PMID: 37449874). In summary, the available evidence is currently insufficient to determine the role of this variant in disease. Therefore, it has been classified as a Variant of Uncertain Significance.

Quest Diagnostics Nichols Institute San Juan Capistrano
Classification: Uncertain significance. Last evaluated: 2024-08-05. Review status: criteria provided, single submitter. Criteria: Quest Diagnostics criteria. Collection method: clinical testing. Allele origin: unknown.
Comment: The CHEK2 c.496A>G (p.Asn166Asp) variant has been reported in the published literature in an individual with an unspecified cancer type (PMID: 37449874 (2023)). Functional assays indicate that this variant is disruptive to protein function (PMID: 37449874 (2023)). This variant has not been reported in large, multi-ethnic general populations (Genome Aggregation Database). Analysis of this variant using bioinformatics tools for the prediction of the effect of amino acid changes on protein structure and function yielded conflicting predictions that this variant is benign or damaging. Based on the available information, we are unable to determine the clinical significance of this variant.

Baylor Genetics
Classification: Uncertain significance for Familial cancer of breast. Last evaluated: 2023-08-25. Review status: criteria provided, single submitter. Criteria: ACMG Guidelines, 2015. Collection method: clinical testing. Allele origin: unknown.

Ambry Genetics
Classification: Uncertain significance for Hereditary cancer-predisposing syndrome. Last evaluated: 2023-08-23. Review status: criteria provided, single submitter. Criteria: Ambry Variant Classification Scheme 2023. Collection method: clinical testing. Allele origin: germline.
Comment: The p.N166D variant (also known as c.496A>G), located in coding exon 3 of the CHEK2 gene, results from an A to G substitution at nucleotide position 496. The asparagine at codon 166 is replaced by aspartic acid, an amino acid with highly similar properties. This alteration was reported as functionally impaired in a study assessing CHEK2-complementation through quantification of KAP1 phosphorylation and CHK2 autophosphorylation in human RPE1-CHEK2-knockout cells (Stolarova L et al. Clin Cancer Res, 2023 Aug;29:3037-3050). This amino acid position is highly conserved in available vertebrate species. In addition, the in silico prediction for this alteration is inconclusive. Since supporting evidence is limited at this time, the clinical significance of this alteration remains unclear.

Color Diagnostics, LLC DBA Color Health
Classification: Uncertain significance for Hereditary cancer-predisposing syndrome. Last evaluated: 2019-09-09. Review status: criteria provided, single submitter. Criteria: ACMG Guidelines, 2015. Collection method: clinical testing. Allele origin: germline.
Comment: This missense variant replaces asparagine with aspartic acid at codon 166 of the CHEK2 protein. Computational prediction tools and conservation analyses suggest that this variant may have deleterious impact on protein structure and function. Splice site prediction tools suggest that this variant may not impact RNA splicing. To our knowledge, functional studies have not been performed for this variant. This variant has not been reported in individuals affected with hereditary cancer in the literature. This variant has not been identified in the general population by the Genome Aggregation Database (gnomAD). The available evidence is insufficient to determine the role of this variant in disease conclusively. Therefore, this variant is classified as a Variant of Uncertain Significance.

GeneDx
Classification: Uncertain significance. Last evaluated: 2018-03-22. Review status: criteria provided, single submitter. Criteria: GeneDx Variant Classification (06012015). Collection method: clinical testing. Allele origin: germline. Affected: yes.
Comment: This variant is denoted CHEK2 c.496A>G at the cDNA level, p.Asn166Asp (N166D) at the protein level, and results in the change of an Asparagine to an Aspartic Acid (AAT>GAT). This variant has not, to our knowledge, been published in the literature as pathogenic or benign. CHEK2 Asn166Asp was not observed in large population cohorts (Lek 2016). This variant is located in the forkhead-associated (FHA) domain (Cai 2009, Roeb 2012). In silico analysis, which includes protein predictors and evolutionary conservation, supports a deleterious effect. Based on currently available evidence, it is unclear whether CHEK2 Asn166Asp is a pathogenic or benign variant. We consider it to be a variant of uncertain significance.

Literature cited by the submitters: PubMed 37449874 (cited by 3 submitters); PubMed 36922933 (cited by Quest Diagnostics Nichols Institute San Juan Capistrano).

NM_007194.4(CHEK2):c.496A>G (p.Asn166Asp)

Gene: CHEK2 (checkpoint kinase 2; minus strand). Cytogenetic location: 22q12.1.
Variant type: single nucleotide variant.
Coding change: c.496A>G on transcript NM_007194.4 (MANE Select); coding-DNA position 496, A replaced by G.
Protein change: p.Asn166Asp; replaces asparagine 166 with aspartic acid.
Molecular consequence: missense variant. On other transcripts: 5 prime UTR variant (2), intron variant (1).
Genome position (GRCh38, 1-based): chr22:28,725,073, T>C on the plus strand (A>G on the coding strand, the complement: CHEK2 is on the minus strand). VCF-style: chr22-28725073-T-C. GRCh37 (hg19) VCF-style: chr22-29121061-T-C.
Other names: c.625A>G, p.Asn209Asp (NM_001005735.3, NM_001438294.1); c.-282A>G (NM_001257387.3); c.-168A>G (NM_001437942.1); c.589A>G, p.Asn197Asp (NM_001438293.1, NM_001438295.1); c.496A>G, p.Asn166Asp (NM_145862.3); c.445-150A>G (NM_001349956.3); short protein forms N166D, N209D, N197D.
Identifiers: ClinVar variation 231320 (VCV000231320.21), dbSNP rs876659089, ClinGen allele CA10581092.